The following is an entry in ClinVar:

NM_001267550.2(TTN):c.75959dup (p.Met25321fs)

Genes: TTN (titin; minus strand), TTN-AS1 (TTN antisense RNA 1; plus strand). Cytogenetic location: 2q31.2.
Variant type: Duplication.
Coding change: c.75959dup on transcript NM_001267550.2 (MANE Select); coding-DNA position 75959, one base duplicated (C; older notation c.75959dupC).
Protein change: p.Met25321fs; shifts the reading frame from methionine 25321.
Molecular consequence: frameshift variant.
Genome position (GRCh38, 1-based): chr2:178,570,173, G duplicated on the plus strand (C on the coding strand, the reverse complement: TTN is on the minus strand). VCF-style (leftmost placement, unchanged base first): chr2-178570172-T-TG. GRCh37 (hg19) VCF-style: chr2-179434899-T-TG.
Other names: c.71036dup, p.Met23680fs (NM_001256850.1); c.48764dup, p.Met16256fs (NM_003319.4); c.68255dup, p.Met22753fs (NM_133378.4); c.49139dup, p.Met16381fs (NM_133432.3); c.49340dup, p.Met16448fs (NM_133437.4); c.48764dupC (NM_003319.4); short protein forms M16256fs, M16381fs, M16448fs, M22753fs, M23680fs, M25321fs.
Identifiers: ClinVar variation 4866230 (VCV004866230.1).

ClinVar aggregate classification (germline): Likely pathogenic (1 of 4 stars; one submission).

Conditions:
Cardiovascular phenotype. Identifiers: MedGen CN230736.

Submission:

Ambry Genetics
Classification: Likely pathogenic for Cardiovascular phenotype. Last evaluated: 2026-05-19. Review status: criteria provided, single submitter. Criteria: Ambry Variant Classification Scheme 2023. Collection method: clinical testing. Allele origin: germline.
Comment: The c.48764dupC variant, located in coding exon 153 of the TTN gene, results from a duplication of C at nucleotide position 48764, causing a translational frameshift with a predicted alternate stop codon (p.M16256Nfs*11). This exon is located in the A-band region of the N2-B isoform of the titin protein and is constitutively expressed in TTN transcripts (percent spliced in or PSI 100%). This variant is expected to result in loss of function by premature protein truncation or nonsense-mediated mRNA decay. While truncating variants in TTN are present in 1-3% of the general population, truncating variants in the A-band are the most common cause of dilated cardiomyopathy (Herman DS et al. N. Engl. J. Med., 2012 Feb;366:619-28; Roberts AM et al. Sci Transl Med, 2015 Jan;7:270ra6). TTN truncating variants encoded in constitutive exons (PSI >90%) have been found to be significantly associated with DCM regardless of their position in titin (Schafer S et al. Nat. Genet., 2017 01;49:46-53; Akhtar MM et al. Circ Heart Fail, 2020 Oct;13:e006832; Massier M et al. Clin Genet, 2025 Jan). This variant is considered to be rare based on population cohorts in the Genome Aggregation Database (gnomAD). Based on the majority of available evidence to date, this variant is likely to be pathogenic.